The following is an entry in ClinVar:

NM_004006.3(DMD):c.5026-20T>A

Gene: DMD (dystrophin; minus strand). Cytogenetic location: Xp21.1.
Variant type: single nucleotide variant.
Coding change: c.5026-20T>A on transcript NM_004006.3 (MANE Select); 20 bases into the intron before coding-DNA position 5026, T replaced by A.
Molecular consequence: intron variant.
Genome position (GRCh38, 1-based): chrX:32,364,730, A>T on the plus strand (T>A on the coding strand, the complement: DMD is on the minus strand). VCF-style: chrX-32364730-A-T. GRCh37 (hg19) VCF-style: chrX-32382847-A-T.
Other names: c.5002-20T>A (NM_000109.4); c.1003-20T>A (NM_004011.4); c.994-20T>A (NM_004012.4); c.5014-20T>A (NM_004009.3); c.4657-20T>A (NM_004010.3).
Identifiers: ClinVar variation 682080 (VCV000682080.9), dbSNP rs745350754, ClinGen allele CA10378786.
Genomic context (GRCh38, chrX:32,364,730, plus strand): 5'-TCCACATTCTGGTCAAAAGTTTCCATGTGTTTCTGGTATTCCTTAATTGTACAGAGACAT[A>T]CCATGGCATTATTGGTTAGACAATATTCTTAAAGAATTTTTCCTATGTTCTAAAATGTTT-3'

ClinVar aggregate classification (germline): Benign/Likely benign. Review status: criteria provided, multiple submitters, no conflicts (2 of 4 stars). 2 submissions from 2 submitters: Benign (1); Likely benign (1). Last evaluated 2025-11-03.

Conditions:
Duchenne muscular dystrophy (DMD). Also called: MUSCULAR DYSTROPHY, PSEUDOHYPERTROPHIC PROGRESSIVE, DUCHENNE TYPE; Duchenne Muscular Dystrophy (DMD). Identifiers: Orphanet 98896, MedGen C0013264, MONDO:0010679, OMIM 310200.

Allele frequency attached by ClinVar (database versions not stated): gnomAD exomes 0.00001 and 0.00003; ExAC 0.00002; gnomAD 0.00015; TOPMed 0.00018.
gnomAD v4.1: 30 of 1,200,870 alleles (0.0025%); highest among the groups gnomAD compares: African/African-American, 0.047%; no homozygotes.

Submissions (2):

Labcorp Genetics (formerly Invitae), Labcorp
Classification: Benign for Duchenne muscular dystrophy. Last evaluated: 2025-11-03. Review status: criteria provided, single submitter. Criteria: Invitae Variant Classification Sherloc (09022015). Collection method: clinical testing. Allele origin: germline.

GeneDx
Classification: Likely benign. Last evaluated: 2018-04-19. Review status: criteria provided, single submitter. Criteria: GeneDx Variant Classification (06012015). Collection method: clinical testing. Allele origin: germline. Affected: yes.
Comment: This variant is considered likely benign or benign based on one or more of the following criteria: it is a conservative change, it occurs at a poorly conserved position in the protein, it is predicted to be benign by multiple in silico algorithms, and/or has population frequency not consistent with disease.